The following is an entry in ClinVar:

NM_173728.4(ARHGEF15):c.854G>A (p.Arg285His)

Gene: ARHGEF15 (Rho guanine nucleotide exchange factor 15; plus strand). Cytogenetic location: 17p13.1.
Variant type: single nucleotide variant.
Coding change: c.854G>A on transcript NM_173728.4 (MANE Select); coding-DNA position 854, G replaced by A.
Protein change: p.Arg285His; replaces arginine 285 with histidine.
Molecular consequence: missense variant.
Genome position (GRCh38, 1-based): chr17:8,313,174, G>A. VCF-style: chr17-8313174-G-A. GRCh37 (hg19) VCF-style: chr17-8216492-G-A.
Other names: c.854G>A, p.Arg285His (NM_025014.2); short protein forms R285H.
Identifiers: ClinVar variation 403966 (VCV000403966.14), dbSNP rs554267583, ClinGen allele CA8375003.

ClinVar aggregate classification (germline): Uncertain significance. Review status: criteria provided, multiple submitters, no conflicts (2 of 4 stars). 2 submissions from 2 submitters: Uncertain significance (2). Last evaluated 2023-11-27.

Conditions:
Early-infantile DEE. Also called: Ohtahara syndrome; Early infantile epileptic encephalopathy with suppression bursts; Early infantile epileptic encephalopathy. Identifiers: Orphanet 1934, MedGen C0393706, MONDO:0800491.

Allele frequency attached by ClinVar (database versions not stated): gnomAD 0.00002 and 0.00003; TOPMed 0.00002; 1000 Genomes Project 30x 0.00016; 1000 Genomes Project 0.00020.

Submissions (3):

Labcorp Genetics (formerly Invitae), Labcorp
Classification: Uncertain significance for Early-infantile DEE. Last evaluated: 2023-11-27. Review status: criteria provided, single submitter. Criteria: Invitae Variant Classification Sherloc (09022015). Collection method: clinical testing. Allele origin: germline.
Comment: This sequence change replaces arginine, which is basic and polar, with histidine, which is basic and polar, at codon 285 of the ARHGEF15 protein (p.Arg285His). This variant is present in population databases (rs554267583, gnomAD 0.01%). This variant has not been reported in the literature in individuals affected with ARHGEF15-related conditions. ClinVar contains an entry for this variant (Variation ID: 403966). Algorithms developed to predict the effect of missense changes on protein structure and function output the following: SIFT: "Not Available"; PolyPhen-2: "Benign"; Align-GVGD: "Not Available". The histidine amino acid residue is found in multiple mammalian species, which suggests that this missense change does not adversely affect protein function. In summary, the available evidence is currently insufficient to determine the role of this variant in disease. Therefore, it has been classified as a Variant of Uncertain Significance.

Breakthrough Genomics
Classification: Uncertain significance. Review status: criteria provided, single submitter. Criteria: ACMG Guidelines, 2015. Collection method: not provided. Allele origin: germline. Inheritance: Unknown mechanism. Affected: yes.

Dr. Peter K. Rogan Lab, Western University
No classification provided (evidence only). Condition: Colorectal cancer. Review status: no classification provided. Collection method: in vitro. Allele origin: not applicable. Functional consequence: retained intron. Not counted in ClinVar's aggregate classification.